The following is an entry in ClinVar:

NM_178857.6(RP1L1):c.156C>T (p.Ala52=)

Gene: RP1L1 (RP1 like 1). Cytogenetic location: 8p23.1.
Variant type: single nucleotide variant.
Coding change: c.156C>T on transcript NM_178857.6 (MANE Select); coding-DNA position 156, C replaced by T.
Protein change: p.Ala52=; no amino-acid change (alanine 52 retained).
Molecular consequence: synonymous variant.
Genome position (GRCh38, 1-based): chr8:10,623,046, G>A on the plus strand (C>T on the coding strand, the complement: RP1L1 is on the minus strand). VCF-style: chr8-10623046-G-A. GRCh37 (hg19) VCF-style: chr8-10480556-G-A.
Identifiers: ClinVar variation 909667 (VCV000909667.42), dbSNP rs78501382, ClinGen allele CA4625851.

ClinVar aggregate classification (germline): Benign/Likely benign. Review status: criteria provided, multiple submitters, no conflicts (2 of 4 stars). 8 submissions from 8 submitters: Benign (2); Likely benign (3). 3 of the submissions do not count toward it. Last evaluated 2026-01-24.

Conditions:
Occult macular dystrophy (OCMD). Also called: OMD; OCCULT MACULAR DYSTROPHY, SUSCEPTIBILITY TO. Identifiers: Orphanet 247834, MedGen C3150833, MONDO:0013316, OMIM 613587, HP:0030636.
RP1L1-related disorder. Also called: RP1L1-related condition.
Retinal dystrophy. Also called: Inherited retinal dystrophy. Identifiers: Orphanet 71862, MedGen C0854723, MeSH D058499, MONDO:0019118, HP:0000556.

Allele frequency attached by ClinVar (database versions not stated): 1000 Genomes Project 0.00060; ESP Exome Variant Server 0.00095; TOPMed 0.00106; gnomAD 0.00108 and 0.00112; gnomAD exomes 0.00155; 1000 Genomes Project 30x 0.00156; ExAC 0.00165.
gnomAD v4.1: 2,689 of 1,614,140 alleles (0.17%); highest among the groups gnomAD compares: South Asian, 0.23%; 7 homozygotes.

Submissions (8):

Labcorp Genetics (formerly Invitae), Labcorp
Classification: Benign. Last evaluated: 2026-01-24. Review status: criteria provided, single submitter. Criteria: Invitae Variant Classification Sherloc (09022015). Collection method: clinical testing. Allele origin: germline.

Blueprint Genetics
Classification: Likely benign. Last evaluated: 2024-11-17. Review status: criteria provided, single submitter. Criteria: ACMG Guidelines, 2015. Collection method: clinical testing. Allele origin: germline.

Dept Of Ophthalmology, Nagoya University
Classification: Likely benign for Retinal dystrophy. Last evaluated: 2023-10-01. Review status: criteria provided, single submitter. Criteria: Submitter's publication. Collection method: research. Allele origin: germline. Affected: yes.

CeGaT Center for Human Genetics Tuebingen
Classification: Likely benign. Last evaluated: 2023-07-01. Review status: criteria provided, single submitter. Criteria: CeGaT Center For Human Genetics Tuebingen Variant Classification Criteria Version 2. Collection method: clinical testing. Allele origin: germline. Affected: yes. Observed: 1 variant allele.
Comment: RP1L1: BP4, BP7, BS2

Illumina Laboratory Services, Illumina
Classification: Benign for Occult macular dystrophy. Last evaluated: 2018-01-13. Review status: criteria provided, single submitter. Criteria: ICSL Variant Classification Criteria 13 December 2019. Collection method: clinical testing. Allele origin: germline.
Comment: This variant was observed in the ICSL laboratory as part of a predisposition screen in an ostensibly healthy population. It had not been previously curated by ICSL or reported in the Human Gene Mutation Database (HGMD: prior to June 1st, 2018), and was therefore a candidate for classification through an automated scoring system. Utilizing variant allele frequency, disease prevalence and penetrance estimates, and inheritance mode, an automated score was calculated to assess if this variant is too frequent to cause the disease. Based on the score and internal cut-off values, a variant classified as benign is not then subjected to further curation. The score for this variant resulted in a classification of benign for this disease.

PreventionGenetics, part of Exact Sciences
Classification: Likely benign for RP1L1-related condition. Last evaluated: 2019-11-18. Review status: no assertion criteria provided. Collection method: clinical testing. Allele origin: germline. Not counted in ClinVar's aggregate classification.
Comment: This variant is classified as likely benign based on ACMG/AMP sequence variant interpretation guidelines (Richards et al. 2015 PMID: 25741868, with internal and published modifications).

Clinical Genetics DNA and cytogenetics Diagnostics Lab, Erasmus MC, Erasmus Medical Center
Classification: Likely benign. Review status: no assertion criteria provided. Collection method: clinical testing. Allele origin: germline. Affected: yes. Study: VKGL Data-share Consensus. Not counted in ClinVar's aggregate classification.

Clinical Genetics, Academic Medical Center
Classification: Benign. Review status: no assertion criteria provided. Collection method: clinical testing. Allele origin: germline. Affected: yes. Study: VKGL Data-share Consensus. Not counted in ClinVar's aggregate classification.